The following is an entry in ClinVar:

NM_001830.4(CLCN4):c.757C>T (p.Arg253Trp)

Gene: CLCN4 (Cl-/H+ antiporter 4; plus strand). Cytogenetic location: Xp22.2.
Variant type: single nucleotide variant.
Coding change: c.757C>T on transcript NM_001830.4 (MANE Select); coding-DNA position 757, C replaced by T.
Protein change: p.Arg253Trp; replaces arginine 253 with tryptophan.
Molecular consequence: missense variant.
Genome position (GRCh38, 1-based): chrX:10,206,559, C>T. VCF-style: chrX-10206559-C-T. GRCh37 (hg19) VCF-style: chrX-10174599-C-T.
Other names: c.475C>T, p.Arg159Trp (NM_001256944.2); short protein forms R159W, R253W.
Identifiers: ClinVar variation 3027306 (VCV003027306.22), dbSNP rs1250705466, ClinGen allele CA412037058.

ClinVar aggregate classification (germline): Uncertain significance (1 of 4 stars; one submission).

Allele frequency attached by ClinVar (database versions not stated): gnomAD exomes below 0.00001.

Submission:

CeGaT Center for Human Genetics Tuebingen
Classification: Uncertain significance. Last evaluated: 2024-06-01. Review status: criteria provided, single submitter. Criteria: CeGaT Center For Human Genetics Tuebingen Variant Classification Criteria Version 2. Collection method: clinical testing. Allele origin: germline. Affected: yes. Observed: 2 variant alleles.
Comment: CLCN4: PM5:Supporting, PP2, PP3